The following is an entry in ClinVar:

NM_000132.4(F8):c.787+5G>C

Gene: F8 (coagulation factor VIII; minus strand). Cytogenetic location: Xq28.
Variant type: single nucleotide variant.
Coding change: c.787+5G>C on transcript NM_000132.4 (MANE Select); 5 bases into the intron after coding-DNA position 787, G replaced by C.
Molecular consequence: intron variant.
Genome position (GRCh38, 1-based): chrX:154,984,682, C>G on the plus strand (G>C on the coding strand, the complement: F8 is on the minus strand). VCF-style: chrX-154984682-C-G. GRCh37 (hg19) VCF-style: chrX-154212957-C-G.
Identifiers: ClinVar variation 1330594 (VCV001330594.7), dbSNP rs1378662017, ClinGen allele CA2573055193.

ClinVar aggregate classification (germline): Likely pathogenic (1 of 4 stars; one submission).

Conditions:
Hereditary factor VIII deficiency disease (HEMA). Also called: HEMOPHILIA, CLASSIC; AUTOSOMAL HEMOPHILIA A; Hemophilia A; Hemophilia A, congenital; HEM A; Factor 8 deficiency, congenital. Identifiers: Orphanet 98878, MedGen C0019069, MONDO:0010602, OMIM 306700.

Submission:

ARUP Laboratories, Molecular Genetics and Genomics, ARUP Laboratories
Classification: Likely pathogenic for Hereditary factor VIII deficiency disease. Last evaluated: 2021-05-10. Review status: criteria provided, single submitter. Criteria: ARUP Molecular Germline Variant Investigation Process 2021. Collection method: clinical testing. Allele origin: germline.
Comment: The F8 c.787+5G>C variant, to our knowledge, is not reported in the medical literature or gene specific databases. This variant is also absent from general population databases (Exome Variant Server, Genome Aggregation Database), indicating it is not a common polymorphism. This is an intronic variant in a highly conserved nucleotide, and computational analyses (Alamut v.2.11) predict that this variant may impact splicing by weakening the nearby canonical donor splice site. Additionally, two other nucleotide changes at the position, c.787+5G>A and c.787+5G>T, have been described in individuals with severe hemophilia (Johnsen 2017, Riccardi 2010, Santacroce 2008). Based on available information, this variant is classified as likely pathogenic. References: Johnsen JM et al. Novel approach to genetic analysis and results in 3000 hemophilia patients enrolled in the My Life, Our Future initiative. Blood Adv. 2017 May 18;1(13):824-834. PMID: 29296726. Riccardi F et al. Spectrum of F8 gene mutations in haemophilia A patients from a region of Italy: identification of 23 new mutations. Haemophilia. 2010 Sep 1;16(5):791-800. PMID: 20331761. Santacroce R et al. Identification of 217 unreported mutations in the F8 gene in a group of 1,410 unselected Italian patients with hemophilia A. J Hum Genet. 2008;53(3):275-284. PMID: 18217193.